The following is an entry in ClinVar:

NM_000465.4(BARD1):c.1754T>C (p.Leu585Pro)

Gene: BARD1 (BRCA1 associated RING domain 1; minus strand). Cytogenetic location: 2q35.
Variant type: single nucleotide variant.
Coding change: c.1754T>C on transcript NM_000465.4 (MANE Select); coding-DNA position 1754, T replaced by C.
Protein change: p.Leu585Pro; replaces leucine 585 with proline.
Molecular consequence: missense variant. On other transcripts: non-coding transcript variant (3), intron variant (1).
Genome position (GRCh38, 1-based): chr2:214,745,778, A>G on the plus strand (T>C on the coding strand, the complement: BARD1 is on the minus strand). VCF-style: chr2-214745778-A-G. GRCh37 (hg19) VCF-style: chr2-215610502-A-G.
Other names: c.1697T>C, p.Leu566Pro (NM_001282543.2); c.401T>C, p.Leu134Pro (NM_001282545.2); c.344T>C, p.Leu115Pro (NM_001282548.2); c.365-15270T>C (NM_001282549.2); short protein forms L585P, L115P, L566P, L134P.
Identifiers: ClinVar variation 185067 (VCV000185067.30), dbSNP rs786201905, ClinGen allele CA190919.
Genomic context (GRCh38, chr2:214,745,778, plus strand): 5'-TCACCTGTACTGTCAAACTCAGTATATTTTTTAGCCTTAAGAATTACTGCAAGCTCACTG[A>G]GCATTTTCTGTTGTTCTGAAGACAGCCCACTGCCTATAAGTACAAGAGGTCCATCCCTAC-3'
Protein context (NP_000456.2, residues 575-595): SGLSSEQQKM[Leu585Pro]SELAVILKAK

ClinVar aggregate classification (germline): Uncertain significance. Review status: criteria provided, multiple submitters, no conflicts (2 of 4 stars). 10 submissions from 10 submitters: Uncertain significance (10). Last evaluated 2025-06-05.

Conditions:
BARD1-related cancer predisposition. Identifiers: MedGen CN377756, MONDO:0700267.
Hereditary cancer-predisposing syndrome. Also called: Hereditary neoplastic syndrome; Neoplastic Syndromes, Hereditary; Tumor predisposition; Hereditary Cancer Syndrome. Identifiers: Orphanet 140162, MedGen C0027672, MeSH D009386, MONDO:0015356.
Familial cancer of breast. Also called: BREAST CANCER, FAMILIAL; Hereditary breast cancer; hereditary breast carcinoma. Identifiers: Orphanet 227535, MedGen C0346153, MONDO:0016419, OMIM 114480. Disease mechanism: loss of function.

Allele frequency attached by ClinVar (database versions not stated): gnomAD exomes below 0.00001 and 0.00001; TOPMed below 0.00001.
gnomAD v4.1: 16 of 1,614,078 alleles (0.00099%); highest among the groups gnomAD compares: Non-Finnish European, 0.0014%; no homozygotes.

Submissions (10):

Women's Health and Genetics/Laboratory Corporation of America, LabCorp
Classification: Uncertain significance. Last evaluated: 2025-06-05. Review status: criteria provided, single submitter. Criteria: LabCorp Variant Classification Summary - May 2015. Collection method: clinical testing. Allele origin: germline.
Comment: Variant summary: BARD1 c.1754T>C (p.Leu585Pro) results in a non-conservative amino acid change in the encoded protein sequence. Algorithms developed to predict the effect of missense changes on protein structure and function all suggest that this variant is likely to be disruptive. The variant allele was found at a frequency of 4e-06 in 251316 control chromosomes (gnomAD). The available data on variant occurrences in the general population are insufficient to allow any conclusion about variant significance. c.1754T>C has been observed in one individual affected with breast cancer (Bhai_2021). The report does not provide unequivocal conclusions about association of the variant with Hereditary Breast And Ovarian Cancer Syndrome. To our knowledge, no experimental evidence demonstrating an impact on protein function has been reported. The following publication have been ascertained in the context of this evaluation (PMID: 34326862). ClinVar contains an entry for this variant (Variation ID: 185067). Based on the evidence outlined above, the variant was classified as uncertain significance.

Ambry Genetics
Classification: Uncertain significance for Hereditary cancer-predisposing syndrome. Last evaluated: 2025-04-08. Review status: criteria provided, single submitter. Criteria: Ambry Variant Classification Scheme 2023. Collection method: clinical testing. Allele origin: germline.
Comment: The p.L585P variant (also known as c.1754T>C), located in coding exon 8 of the BARD1 gene, results from a T to C substitution at nucleotide position 1754. The leucine at codon 585 is replaced by proline, an amino acid with similar properties. This amino acid position is highly conserved in available vertebrate species. In addition, this alteration is predicted to be deleterious by in silico analysis. Based on the available evidence, the clinical significance of this variant remains unclear.

Center for Genomic Medicine, Rigshospitalet, Copenhagen University Hospital
Classification: Uncertain significance. Last evaluated: 2025-03-04. Review status: criteria provided, single submitter. Criteria: ACMG Guidelines, 2015. Collection method: clinical testing. Allele origin: germline.

Labcorp Genetics (formerly Invitae), Labcorp
Classification: Uncertain significance for Familial cancer of breast. Last evaluated: 2025-01-19. Review status: criteria provided, single submitter. Criteria: Invitae Variant Classification Sherloc (09022015). Collection method: clinical testing. Allele origin: germline.
Comment: This sequence change replaces leucine, which is neutral and non-polar, with proline, which is neutral and non-polar, at codon 585 of the BARD1 protein (p.Leu585Pro). This variant is present in population databases (rs786201905, gnomAD 0.0009%). This missense change has been observed in individual(s) with breast cancer (PMID: 34326862). ClinVar contains an entry for this variant (Variation ID: 185067). An algorithm developed to predict the effect of missense changes on protein structure and function (PolyPhen-2) suggests that this variant is likely to be disruptive. In summary, the available evidence is currently insufficient to determine the role of this variant in disease. Therefore, it has been classified as a Variant of Uncertain Significance.

Quest Diagnostics Nichols Institute San Juan Capistrano
Classification: Uncertain significance. Last evaluated: 2024-07-31. Review status: criteria provided, single submitter. Criteria: Quest Diagnostics criteria. Collection method: clinical testing. Allele origin: unknown.
Comment: The BARD1 c.1754T>C (p.Leu585Pro) variant has been reported in the published literature in an individual with breast cancer who carried additional variants of uncertain significance (PMID: 34326862 (2021)). The frequency of this variant in the general population, 0.000004 (1/251316 chromosomes (Genome Aggregation Database)), is uninformative in the assessment of its pathogenicity. Analysis of this variant using bioinformatics tools for the prediction of the effect of amino acid changes on protein structure and function yielded predictions that this variant is damaging. Based on the available information, we are unable to determine the clinical significance of this variant.

Molecular Pathology, Peter Maccallum Cancer Centre
Classification: Uncertain significance for BARD1-related cancer predisposition. Last evaluated: 2024-05-30. Review status: criteria provided, single submitter. Criteria: ACMG Guidelines, 2015. Collection method: clinical testing. Allele origin: germline. Inheritance: Autosomal dominant inheritance.

GeneDx
Classification: Uncertain significance. Last evaluated: 2024-04-09. Review status: criteria provided, single submitter. Criteria: GeneDx Variant Classification Process June 2021. Collection method: clinical testing. Allele origin: germline. Affected: yes.
Comment: Not observed at significant frequency in large population cohorts (gnomAD); In silico analysis supports that this missense variant has a deleterious effect on protein structure/function; Observed in an individual with a personal and family history of breast and other cancers (PMID: 34326862); This variant is associated with the following publications: (PMID: 36530327, 17550235, 34326862)

Baylor Genetics
Classification: Uncertain significance for Familial cancer of breast. Last evaluated: 2024-02-02. Review status: criteria provided, single submitter. Criteria: ACMG Guidelines, 2015. Collection method: clinical testing. Allele origin: unknown.

Color Diagnostics, LLC DBA Color Health
Classification: Uncertain significance for Hereditary cancer-predisposing syndrome. Last evaluated: 2022-05-10. Review status: criteria provided, single submitter. Criteria: ACMG Guidelines, 2015. Collection method: clinical testing. Allele origin: germline.
Comment: This missense variant replaces leucine with proline at codon 585 of the BARD1 protein. Computational prediction suggests that this variant may have deleterious impact on protein structure and function (internally defined REVEL score threshold >= 0.7, PMID: 27666373). To our knowledge, functional studies have not been reported for this variant. This variant has not been reported in individuals affected with hereditary cancer in the literature. This variant has been identified in 1/251316 chromosomes in the general population by the Genome Aggregation Database (gnomAD). The available evidence is insufficient to determine the role of this variant in disease conclusively. Therefore, this variant is classified as a Variant of Uncertain Significance.

Mendelics
Classification: Uncertain significance for Familial cancer of breast. Last evaluated: 2018-07-02. Review status: criteria provided, single submitter. Criteria: Mendelics Assertion Criteria 2017. Collection method: clinical testing. Allele origin: unknown.

Literature cited by the submitters: PubMed 34326862 (cited by 4 submitters).